The following is an entry in ClinVar:

ClinVar aggregate classification (germline): Uncertain significance. Review status: criteria provided, multiple submitters, no conflicts (2 of 4 stars). 2 submissions from 2 submitters: Uncertain significance (2). Last evaluated 2021-08-20.

Conditions:
Charcot-Marie-Tooth disease type 4. Also called: Charcot-Marie-Tooth disease, type IV; Charcot-Marie-Tooth, Type 4. Identifiers: Orphanet 64749, MedGen C4082197, MONDO:0018995.

Allele frequency attached by ClinVar (database versions not stated): gnomAD exomes 0.00001 and 0.00005; ExAC 0.00002; TOPMed 0.00002.
gnomAD v4.1: 72 of 1,611,058 alleles (0.0045%); highest among the groups gnomAD compares: Non-Finnish European, 0.0059%; no homozygotes.

Submissions (2):

Labcorp Genetics (formerly Invitae), Labcorp
Classification: Uncertain significance for Charcot-Marie-Tooth disease type 4. Last evaluated: 2021-08-20. Review status: criteria provided, single submitter. Criteria: Invitae Variant Classification Sherloc (09022015). Collection method: clinical testing. Allele origin: germline.
Comment: This sequence change replaces leucine with valine at codon 1386 of the SBF2 protein (p.Leu1386Val). The leucine residue is moderately conserved and there is a small physicochemical difference between leucine and valine. This variant is present in population databases (rs771436343, ExAC 0.003%). This variant has not been reported in the literature in individuals affected with SBF2-related conditions. ClinVar contains an entry for this variant (Variation ID: 245864). Algorithms developed to predict the effect of missense changes on protein structure and function (SIFT, PolyPhen-2, Align-GVGD) all suggest that this variant is likely to be tolerated. In summary, the available evidence is currently insufficient to determine the role of this variant in disease. Therefore, it has been classified as a Variant of Uncertain Significance.

GeneDx
Classification: Uncertain significance. Last evaluated: 2015-08-11. Review status: criteria provided, single submitter. Criteria: GeneDx Variant Classification (06012015). Collection method: clinical testing. Allele origin: germline. Affected: yes.
Comment: The L1386V variant has not been published as pathogenic, nor has it been reported as a benign polymorphism to our knowledge. It was not observed in approximately 6,500 individuals of European and African American ancestry in the NHLBI Exome Sequencing Project, indicating it is not a common benign variant in these populations. The L1386V variant is a conservative amino acid substitution, which is not likely to impact secondary protein structure as these residues share similar properties. This substitution occurs at a position where amino acids with similar properties to Leucine are tolerated across species. In silico analysis is inconsistent in its predictions as to whether or not the variant is damaging to the protein structure/function. Therefore, based on the currently available information, it is unclear whether this variant is a pathogenic or a rare benign variant.

NM_030962.4(SBF2):c.4156C>G (p.Leu1386Val)

Genes: SBF2 (SET binding factor 2; minus strand), SBF2-AS1 (SBF2 antisense RNA 1; plus strand). Cytogenetic location: 11p15.4.
Variant type: single nucleotide variant.
Coding change: c.4156C>G on transcript NM_030962.4 (MANE Select); coding-DNA position 4156, C replaced by G.
Protein change: p.Leu1386Val; replaces leucine 1386 with valine.
Molecular consequence: missense variant. On other transcripts: non-coding transcript variant (1).
Genome position (GRCh38, 1-based): chr11:9,809,002, G>C on the plus strand (C>G on the coding strand, the complement: SBF2 is on the minus strand). VCF-style: chr11-9809002-G-C. GRCh37 (hg19) VCF-style: chr11-9830549-G-C.
Other names: c.4252C>G, p.Leu1418Val (NM_001386339.1); c.4027C>G, p.Leu1343Val (NM_001386342.1); short protein forms L1386V, L1343V, L1418V.
Identifiers: ClinVar variation 245864 (VCV000245864.8), dbSNP rs771436343, ClinGen allele CA5881033.
Genomic context (GRCh38, chr11:9,809,002, plus strand): 5'-CTGAGGAACCATTCTCAAGTACTTCTGATACAACCACAGCCAGCTGCATTATCCTGTGAA[G>C]CTAAGAGACAGGAAGGAGAACACAATTAGACCAAGCGCTTTCTGAGTGCAGAAGTCAGAG-3'
Protein context (NP_112224.1, residues 1376-1396): ALGDSEWFPQ[Leu1386Val]HRIMQLAVVV